The following continues an entry in ClinVar:

NM_000322.5(PRPH2):c.424C>T (p.Arg142Trp)

Gene: PRPH2. ClinVar aggregate classification (germline): Pathogenic/Likely pathogenic. Pathogenic (10); Likely pathogenic (3).

Submissions 18 to 24 of 24:

Department of Clinical Genetics, Copenhagen University Hospital, Rigshospitalet
Classification: Pathogenic for Progressive cone dystrophy (without rod involvement). Last evaluated: 2018-04-01. Review status: no assertion criteria provided. Collection method: research. Allele origin: unknown. Affected: yes. Study: VeluxRD. Not counted in ClinVar's aggregate classification.

Joint Genome Diagnostic Labs from Nijmegen and Maastricht, Radboudumc and MUMC+
Classification: Pathogenic for Cone dystrophy. Last evaluated: 2016-09-01. Review status: no assertion criteria provided. Collection method: clinical testing. Allele origin: unknown. Affected: yes. Observed: 1 variant allele. Not counted in ClinVar's aggregate classification.

OMIM
Classification: Pathogenic for CHOROIDAL DYSTROPHY, CENTRAL AREOLAR, 2. Last evaluated: 1996-06-01. Review status: no assertion criteria provided. Collection method: literature only. Allele origin: germline. Not counted in ClinVar's aggregate classification.

Clinical Genetics DNA and cytogenetics Diagnostics Lab, Erasmus MC, Erasmus Medical Center
Classification: Pathogenic. Review status: no assertion criteria provided. Collection method: clinical testing. Allele origin: germline. Affected: yes. Study: VKGL Data-share Consensus. Not counted in ClinVar's aggregate classification.

Clinical Genetics, Academic Medical Center
Classification: Pathogenic. Review status: no assertion criteria provided. Collection method: clinical testing. Allele origin: germline. Affected: yes. Study: VKGL Data-share Consensus. Not counted in ClinVar's aggregate classification.

Joint Genome Diagnostic Labs from Nijmegen and Maastricht, Radboudumc and MUMC+
Classification: Pathogenic. Review status: no assertion criteria provided. Collection method: clinical testing. Allele origin: germline. Affected: yes. Study: VKGL Data-share Consensus. Not counted in ClinVar's aggregate classification.

Retina International
No classification provided. Review status: no classification provided. Collection method: not provided. Allele origin: unknown. Not counted in ClinVar's aggregate classification.

Literature cited by the submitters: PubMed 8644804 (cited by 3 submitters); PubMed 19038374 (cited by Labcorp Genetics (formerly Invitae), Labcorp and Leiden Open Variation Database); PubMed 19243827 (cited by Labcorp Genetics (formerly Invitae), Labcorp and Leiden Open Variation Database); PubMed 28076437 (cited by 3 submitters); PubMed 28559085 (cited by 4 submitters); PubMed 32531846 (cited by 3 submitters); PubMed 34411390 (cited by SingHealth Duke-NUS Institute of Precision Medicine and Institute of Human Genetics, Univ. Regensburg, Univ. Regensburg); PubMed 8747448 (cited by SingHealth Duke-NUS Institute of Precision Medicine); PubMed 34906036 (cited by SingHealth Duke-NUS Institute of Precision Medicine and Ophthalmo-Genetics Lab, Instituto de Oftalmologia Conde de Valenciana); PubMed 11801511 (cited by Institute of Human Genetics, Univ. Regensburg, Univ. Regensburg and Leiden Open Variation Database); PubMed 22003107 (cited by Institute of Human Genetics, Univ. Regensburg, Univ. Regensburg and Leiden Open Variation Database); PubMed 22334370 (cited by Institute of Human Genetics, Univ. Regensburg, Univ. Regensburg and Leiden Open Variation Database); PubMed 29555955 (cited by Institute of Human Genetics, Univ. Regensburg, Univ. Regensburg and Leiden Open Variation Database); PubMed 29155698 (cited by Institute of Human Genetics, Univ. Regensburg, Univ. Regensburg and Leiden Open Variation Database); PubMed 30215852 (cited by Institute of Human Genetics, Univ. Regensburg, Univ. Regensburg and Leiden Open Variation Database); PubMed 31589614 (cited by Institute of Human Genetics, Univ. Regensburg, Univ. Regensburg); PubMed 30910914 (cited by Institute of Human Genetics, Univ. Regensburg, Univ. Regensburg); PubMed 31456290 (cited by Institute of Human Genetics, Univ. Regensburg, Univ. Regensburg and Leiden Open Variation Database); PubMed 34647987 (cited by Institute of Human Genetics, Univ. Regensburg, Univ. Regensburg); PubMed 33846575 (cited by Institute of Human Genetics, Univ. Regensburg, Univ. Regensburg); PubMed 34828423 (cited by Institute of Human Genetics, Univ. Regensburg, Univ. Regensburg); PubMed 36284460 (cited by Institute of Human Genetics, Univ. Regensburg, Univ. Regensburg); PubMed 27813578 (cited by Ophthalmo-Genetics Lab, Instituto de Oftalmologia Conde de Valenciana); PubMed 11139263 (cited by Leiden Open Variation Database); PubMed 17653047 (cited by Leiden Open Variation Database); PubMed 23950152 (cited by Leiden Open Variation Database); PubMed 25999674 (cited by Leiden Open Variation Database); PubMed 28224992 (cited by Leiden Open Variation Database); PubMed 30718709 (cited by Leiden Open Variation Database and Department of Clinical Genetics, Copenhagen University Hospital, Rigshospitalet); Boon, C. J. F., Klevering, B. J., Cremers, F. P. M., Zonneveld-Vrieling, M. N., Theelen, T., Den Hollander, A. I., Hoyng, C. B. Central areolar choroidal dystrophy. Ophthalmology 116: 771-782, 2009. (cited by OMIM).